The following is an entry in ClinVar:

ClinVar aggregate classification (germline): Uncertain significance. Review status: criteria provided, multiple submitters, no conflicts (2 of 4 stars). 2 submissions from 2 submitters: Uncertain significance (2). Last evaluated 2025-05-27.

Conditions:
DICER1-related tumor predisposition. Also called: DICER1-related pleuropulmonary blastoma cancer predisposition syndrome; DICER1 syndrome. Identifiers: Orphanet 284343, MedGen C3839822, MONDO:0100216.
Hereditary cancer-predisposing syndrome. Also called: Neoplastic Syndromes, Hereditary; Hereditary Cancer Syndrome; Hereditary neoplastic syndrome; Tumor predisposition. Identifiers: Orphanet 140162, MedGen C0027672, MeSH D009386, MONDO:0015356.

Submissions (2):

Ambry Genetics
Classification: Uncertain significance for Hereditary cancer-predisposing syndrome. Last evaluated: 2025-05-27. Review status: criteria provided, single submitter. Criteria: Ambry Variant Classification Scheme 2023. Collection method: clinical testing. Allele origin: germline.
Comment: The p.C1354Y variant (also known as c.4061G>A), located in coding exon 21 of the DICER1 gene, results from a G to A substitution at nucleotide position 4061. The cysteine at codon 1354 is replaced by tyrosine, an amino acid with highly dissimilar properties. This variant has been observed in at least one individual with a personal and/or family history that is consistent with DICER1-associated disease (Ambry internal data). This amino acid position is highly conserved in available vertebrate species. In addition, this alteration is predicted to be deleterious by in silico analysis. Based on the available evidence, the clinical significance of this variant remains unclear.

Labcorp Genetics (formerly Invitae), Labcorp
Classification: Uncertain significance for DICER1-related tumor predisposition. Last evaluated: 2021-10-18. Review status: criteria provided, single submitter. Criteria: Invitae Variant Classification Sherloc (09022015). Collection method: clinical testing. Allele origin: germline.
Comment: In summary, the available evidence is currently insufficient to determine the role of this variant in disease. Therefore, it has been classified as a Variant of Uncertain Significance. ClinVar contains an entry for this variant (Variation ID: 824553). This variant has not been reported in the literature in individuals affected with DICER1-related conditions. Algorithms developed to predict the effect of missense changes on protein structure and function are either unavailable or do not agree on the potential impact of this missense change (SIFT: "Deleterious"; PolyPhen-2: "Possibly Damaging"; Align-GVGD: "Class C0"). This sequence change replaces cysteine with tyrosine at codon 1354 of the DICER1 protein (p.Cys1354Tyr). The cysteine residue is highly conserved and there is a large physicochemical difference between cysteine and tyrosine. This variant is not present in population databases (ExAC no frequency).

NM_177438.3(DICER1):c.4061G>A (p.Cys1354Tyr)

Gene: DICER1 (dicer 1, ribonuclease III; minus strand). Cytogenetic location: 14q32.13.
Variant type: single nucleotide variant.
Coding change: c.4061G>A on transcript NM_177438.3 (MANE Select); coding-DNA position 4061, G replaced by A.
Protein change: p.Cys1354Tyr; replaces cysteine 1354 with tyrosine.
Molecular consequence: missense variant.
Genome position (GRCh38, 1-based): chr14:95,099,925, C>T on the plus strand (G>A on the coding strand, the complement: DICER1 is on the minus strand). VCF-style: chr14-95099925-C-T. GRCh37 (hg19) VCF-style: chr14-95566262-C-T.
Other names: c.4061G>A, p.Cys1354Tyr (NM_001271282.3, NM_001291628.2, NM_001195573.1 and 1 more transcripts); short protein forms C1354Y.
Identifiers: ClinVar variation 824553 (VCV000824553.13), dbSNP rs1595353936, ClinGen allele CA390872311.